The following is an entry in ClinVar:

NM_003235.5(TG):c.2222C>T (p.Thr741Met)

Gene: TG (thyroglobulin; plus strand). Cytogenetic location: 8q24.22.
Variant type: single nucleotide variant.
Coding change: c.2222C>T on transcript NM_003235.5 (MANE Select); coding-DNA position 2222, C replaced by T.
Protein change: p.Thr741Met; replaces threonine 741 with methionine.
Molecular consequence: missense variant.
Genome position (GRCh38, 1-based): chr8:132,888,029, C>T. VCF-style: chr8-132888029-C-T. GRCh37 (hg19) VCF-style: chr8-133900274-C-T.
Other names: short protein forms T741M.
Identifiers: ClinVar variation 4980158 (VCV004980158.1).

ClinVar aggregate classification (germline): Uncertain significance (1 of 4 stars; one submission).

Conditions:
TG-related disorder. Also called: TG-related condition; TG-related disorders.

gnomAD v4.1: 171 of 1,614,166 alleles (0.011%); highest among the groups gnomAD compares: East Asian, 0.045%; no homozygotes.

Submission:

PreventionGenetics, part of Exact Sciences
Classification: Uncertain significance for TG-related condition. Last evaluated: 2026-09-02. Review status: criteria provided, single submitter. Criteria: ACMG Guidelines, 2015. Collection method: clinical testing. Allele origin: germline.
Comment: The TG c.2222C>T variant is predicted to result in the amino acid substitution p.Thr741Met. To our knowledge, this variant has not been reported in the literature. This variant is reported in 0.095% of alleles in individuals of East Asian descent in gnomAD. At this time, the clinical significance of this variant is uncertain due to the absence of conclusive functional and genetic evidence.